The following is an entry in ClinVar:

ClinVar aggregate classification (germline): Uncertain significance (0 of 4 stars; one submission).

Conditions:
PIGV-related disorder. Also called: PIGV-related disorders; PIGV-related condition.

Submission:

PreventionGenetics, part of Exact Sciences
Classification: Uncertain significance for PIGV-related condition. Last evaluated: 2024-08-12. Review status: no assertion criteria provided. Collection method: clinical testing. Allele origin: germline.
Comment: The PIGV c.996dupA variant is predicted to result in a frameshift and premature protein termination (p.Pro333Thrfs*33). To our knowledge, this variant has not been reported in the literature or in a large population database, indicating this variant is rare. Loss-of-function has not been an established mechanism for PIGV-related disease and the majority of reported pathogenic variants have been missense variants. Although we suspect that this variant may be pathogenic, at this time, the clinical significance of this variant is uncertain due to the absence of conclusive functional and genetic evidence.

NM_017837.4(PIGV):c.996dup (p.Pro333fs)

Gene: PIGV (phosphatidylinositol glycan anchor biosynthesis class V; plus strand). Cytogenetic location: 1p36.11.
Variant type: Duplication.
Coding change: c.996dup on transcript NM_017837.4 (MANE Select); coding-DNA position 996, one base duplicated (A; older notation c.996dupA).
Protein change: p.Pro333fs; shifts the reading frame from proline 333.
Molecular consequence: frameshift variant. On other transcripts: non-coding transcript variant (1), intron variant (1).
Genome position (GRCh38, 1-based): chr1:26,795,030, A duplicated. VCF-style (leftmost placement, unchanged base first): chr1-26795029-C-CA. GRCh37 (hg19) VCF-style: chr1-27121520-C-CA.
Other names: c.996dup, p.Pro333fs (NM_001202554.2, NM_001374478.1, NM_001374480.1 and 2 more transcripts); c.615dup, p.Pro206fs (NM_001374483.1); c.369dup, p.Pro124fs (NM_001374484.1, NM_001374485.1); c.79-2533dup (NM_001374486.1); short protein forms P124fs, P206fs, P333fs.
Identifiers: ClinVar variation 3347962 (VCV003347962.1).